The following is an entry in ClinVar:

ClinVar aggregate classification (germline): Conflicting classifications of pathogenicity. Review status: criteria provided, conflicting classifications (1 of 4 stars). 6 submissions from 6 submitters: Uncertain significance (5); Likely benign (1). Last evaluated 2026-01-07.

Conditions:
Mitochondrial complex I deficiency, nuclear type 1. Also called: NADH-COENZYME Q REDUCTASE DEFICIENCY; MITOCHONDRIAL NADH DEHYDROGENASE COMPONENT OF COMPLEX I, DEFICIENCY OF. Identifiers: MedGen C6022305, MONDO:0100224, OMIM 252010.

Allele frequency attached by ClinVar (database versions not stated): 1000 Genomes Project 30x 0.00016; 1000 Genomes Project 0.00020; gnomAD 0.00042; TOPMed 0.00059; ESP Exome Variant Server 0.00101.
gnomAD v4.1: 1,384 of 1,570,574 alleles (0.088%); highest among the groups gnomAD compares: Non-Finnish European, 0.094%; 1 homozygote.

Submissions (6):

Labcorp Genetics (formerly Invitae), Labcorp
Classification: Likely benign. Last evaluated: 2026-01-07. Review status: criteria provided, single submitter. Criteria: Invitae Variant Classification Sherloc (09022015). Collection method: clinical testing. Allele origin: germline.

Mayo Clinic Laboratories, Mayo Clinic
Classification: Uncertain significance. Last evaluated: 2024-02-13. Review status: criteria provided, single submitter. Criteria: ACMG Guidelines, 2015. Collection method: clinical testing. Allele origin: germline. Observed: 1 variant allele.

CeGaT Center for Human Genetics Tuebingen
Classification: Uncertain significance. Last evaluated: 2022-05-01. Review status: criteria provided, single submitter. Criteria: CeGaT Center For Human Genetics Tuebingen Variant Classification Criteria Version 2. Collection method: clinical testing. Allele origin: germline. Affected: yes. Observed: 1 variant allele.
Comment: NDUFA11: PM2:Supporting

GeneDx
Classification: Uncertain significance. Last evaluated: 2019-10-08. Review status: criteria provided, single submitter. Criteria: GeneDx Variant Classification Process June 2021. Collection method: clinical testing. Allele origin: germline. Affected: yes.
Comment: Has not been previously published as pathogenic or benign to our knowledge; In silico analysis, which includes protein predictors and evolutionary conservation, supports a deleterious effect

Fulgent Genetics
Classification: Uncertain significance for Mitochondrial complex I deficiency, nuclear type 1. Last evaluated: 2018-10-31. Review status: criteria provided, single submitter. Criteria: ACMG Guidelines, 2015. Collection method: clinical testing. Allele origin: unknown.

Illumina Laboratory Services, Illumina
Classification: Uncertain significance for Mitochondrial complex I deficiency, nuclear type 1. Last evaluated: 2018-01-13. Review status: criteria provided, single submitter. Criteria: ICSL Variant Classification Criteria 13 December 2019. Collection method: clinical testing. Allele origin: germline.

NM_175614.5(NDUFA11):c.311G>T (p.Arg104Leu)

Gene: NDUFA11 (NADH:ubiquinone oxidoreductase subunit A11; minus strand). Cytogenetic location: 19p13.3.
Variant type: single nucleotide variant.
Coding change: c.311G>T on transcript NM_175614.5 (MANE Select); coding-DNA position 311, G replaced by T.
Protein change: p.Arg104Leu; replaces arginine 104 with leucine.
Molecular consequence: missense variant. On other transcripts: non-coding transcript variant (1).
Genome position (GRCh38, 1-based): chr19:5,896,455, C>A on the plus strand (G>T on the coding strand, the complement: NDUFA11 is on the minus strand). VCF-style: chr19-5896455-C-A. GRCh37 (hg19) VCF-style: chr19-5896466-C-A.
Other names: p.R104L:CGC>CTC; p.Arg104Leu; c.311G>T, p.Arg104Leu (NM_001193375.3); short protein forms R104L.
Identifiers: ClinVar variation 214692 (VCV000214692.50), dbSNP rs199842745, ClinGen allele CA321842.